The following is an entry in ClinVar:

ClinVar aggregate classification (germline): Uncertain significance. Review status: criteria provided, multiple submitters, no conflicts (2 of 4 stars). 3 submissions from 3 submitters: Uncertain significance (3). Last evaluated 2022-08-30.

Conditions:
Hereditary cancer-predisposing syndrome. Also called: Hereditary neoplastic syndrome; Tumor predisposition; Neoplastic Syndromes, Hereditary; Hereditary Cancer Syndrome. Identifiers: Orphanet 140162, MedGen C0027672, MeSH D009386, MONDO:0015356.
Bloom syndrome (BLM). Also called: Bloom-Torre-Machacek syndrome. Identifiers: Orphanet 125, MedGen C0005859, MONDO:0008876, OMIM 210900.

Submissions (3):

Ambry Genetics
Classification: Uncertain significance for Hereditary cancer-predisposing syndrome. Last evaluated: 2022-08-30. Review status: criteria provided, single submitter. Criteria: Ambry Variant Classification Scheme 2023. Collection method: clinical testing. Allele origin: germline.
Comment: The p.D906N variant (also known as c.2716G>A), located in coding exon 13 of the BLM gene, results from a G to A substitution at nucleotide position 2716. The aspartic acid at codon 906 is replaced by asparagine, an amino acid with highly similar properties. This amino acid position is not well conserved in available vertebrate species. In addition, this alteration is predicted to be tolerated by in silico analysis. Since supporting evidence is limited at this time, the clinical significance of this alteration remains unclear.

Quest Diagnostics Nichols Institute San Juan Capistrano
Classification: Uncertain significance. Last evaluated: 2021-08-16. Review status: criteria provided, single submitter. Criteria: Quest Diagnostics criteria. Collection method: clinical testing. Allele origin: unknown.

Labcorp Genetics (formerly Invitae), Labcorp
Classification: Uncertain significance for Bloom syndrome. Last evaluated: 2021-07-02. Review status: criteria provided, single submitter. Criteria: Invitae Variant Classification Sherloc (09022015). Collection method: clinical testing. Allele origin: germline.
Comment: This sequence change replaces aspartic acid with asparagine at codon 906 of the BLM protein (p.Asp906Asn). The aspartic acid residue is weakly conserved and there is a small physicochemical difference between aspartic acid and asparagine. This variant is not present in population databases (ExAC no frequency). This variant has not been reported in the literature in individuals with BLM-related conditions. Algorithms developed to predict the effect of missense changes on protein structure and function are either unavailable or do not agree on the potential impact of this missense change (SIFT: "Tolerated"; PolyPhen-2: "Possibly Damaging"; Align-GVGD: "Class C0"). In summary, the available evidence is currently insufficient to determine the role of this variant in disease. Therefore, it has been classified as a Variant of Uncertain Significance.

NM_000057.4(BLM):c.2716G>A (p.Asp906Asn)

Gene: BLM (BLM RecQ like helicase; plus strand). Cytogenetic location: 15q26.1.
Variant type: single nucleotide variant.
Coding change: c.2716G>A on transcript NM_000057.4 (MANE Select); coding-DNA position 2716, G replaced by A.
Protein change: p.Asp906Asn; replaces aspartic acid 906 with asparagine.
Molecular consequence: missense variant.
Genome position (GRCh38, 1-based): chr15:90,784,974, G>A. VCF-style: chr15-90784974-G-A. GRCh37 (hg19) VCF-style: chr15-91328204-G-A.
Other names: c.2716G>A, p.Asp906Asn (NM_001287246.2, NM_001287247.2); c.1591G>A, p.Asp531Asn (NM_001287248.2); c.2716G>A (NM_000057.3); short protein forms D906N, D531N.
Identifiers: ClinVar variation 1504648 (VCV001504648.11), dbSNP rs2151179756, ClinGen allele CA393845957.